The following is an entry in ClinVar:

NM_001127222.2(CACNA1A):c.2343G>A (p.Met781Ile)

Gene: CACNA1A (calcium voltage-gated channel subunit alpha1 A; minus strand). Cytogenetic location: 19p13.13.
Variant type: single nucleotide variant.
Coding change: c.2343G>A on transcript NM_001127222.2 (MANE Select); coding-DNA position 2343, G replaced by A.
Protein change: p.Met781Ile; replaces methionine 781 with isoleucine.
Molecular consequence: missense variant.
Genome position (GRCh38, 1-based): chr19:13,299,290, C>T on the plus strand (G>A on the coding strand, the complement: CACNA1A is on the minus strand). VCF-style: chr19-13299290-C-T. GRCh37 (hg19) VCF-style: chr19-13410104-C-T.
Other names: c.2355G>A, p.Met785Ile (NM_000068.4, NM_023035.3); c.2346G>A, p.Met782Ile (NM_001127221.2, NM_001174080.2); short protein forms M785I, M781I, M782I.
Identifiers: ClinVar variation 2932902 (VCV002932902.3), dbSNP rs2512910860, ClinGen allele CA404343662.

ClinVar aggregate classification (germline): Uncertain significance (1 of 4 stars; one submission).

Conditions:
Episodic ataxia type 2 (EA2). Also called: CEREBELLAR ATAXIA, PAROXYSMAL, ACETAZOLAMIDE-RESPONSIVE; CEREBELLOPATHY, HEREDITARY PAROXYSMAL; EPISODIC ATAXIA, NYSTAGMUS-ASSOCIATED; ACETAZOLAMIDE-RESPONSIVE HEREDITARY PAROXYSMAL CEREBELLAR ATAXIA; ATAXIA, EPISODIC, WITH NYSTAGMUS; ATAXIA, FAMILIAL PAROXYSMAL. Identifiers: Orphanet 97, MedGen C1720416, MONDO:0007163, OMIM 108500.
Developmental and epileptic encephalopathy, 42 (DEE42A). Also called: Epileptic encephalopathy, early infantile, 42; DEVELOPMENTAL AND EPILEPTIC ENCEPHALOPATHY 42A; EPILEPTIC ENCEPHALOPATHY, EARLY INFANTILE, 42A. Identifiers: MedGen C4310716, MONDO:0014917, OMIM 617106.

Submission:

Labcorp Genetics (formerly Invitae), Labcorp
Classification: Uncertain significance for Developmental and epileptic encephalopathy, 42; Episodic ataxia type 2. Last evaluated: 2023-12-13. Review status: criteria provided, single submitter. Criteria: Invitae Variant Classification Sherloc (09022015). Collection method: clinical testing. Allele origin: germline.
Comment: This sequence change replaces methionine, which is neutral and non-polar, with isoleucine, which is neutral and non-polar, at codon 782 of the CACNA1A protein (p.Met782Ile). This variant is not present in population databases (gnomAD no frequency). This variant has not been reported in the literature in individuals affected with CACNA1A-related conditions. Advanced modeling of protein sequence and biophysical properties (such as structural, functional, and spatial information, amino acid conservation, physicochemical variation, residue mobility, and thermodynamic stability) performed at Invitae indicates that this missense variant is not expected to disrupt CACNA1A protein function with a negative predictive value of 95%. In summary, the available evidence is currently insufficient to determine the role of this variant in disease. Therefore, it has been classified as a Variant of Uncertain Significance.